The following is an entry in ClinVar:

NM_016227.4(SUCO):c.154A>C (p.Asn52His)

Genes: SUCO (SUN domain containing ossification factor; plus strand), LOC129931912 (ATAC-STARR-seq lymphoblastoid active region 2093; plus strand). Cytogenetic location: 1q24.3.
Variant type: single nucleotide variant.
Coding change: c.154A>C on transcript NM_016227.4; coding-DNA position 154, A replaced by C.
Protein change: p.Asn52His; replaces asparagine 52 with histidine.
Molecular consequence: missense variant.
Genome position (GRCh38, 1-based): chr1:172,532,626, A>C. VCF-style: chr1-172532626-A-C. GRCh37 (hg19) VCF-style: chr1-172501766-A-C.
Other names: short protein forms N52H.
Identifiers: ClinVar variation 4984517 (VCV004984517.1).

ClinVar aggregate classification (germline): Likely benign (1 of 4 stars; one submission).

Conditions:
SUCO-related disorder. Also called: SUCO-related condition.

gnomAD v4.1: 112 of 1,613,934 alleles (0.0069%); highest among the groups gnomAD compares: East Asian, 0.073%; 2 homozygotes.

Submission:

PreventionGenetics, part of Exact Sciences
Classification: Likely benign for SUCO-related condition. Last evaluated: 2026-05-12. Review status: criteria provided, single submitter. Criteria: ACMG Guidelines, 2015. Collection method: clinical testing. Allele origin: germline.
Comment: This variant is classified as likely benign based on ACMG/AMP sequence variant interpretation guidelines (Richards et al. 2015 PMID: 25741868, with internal and published modifications).